The following is an entry in ClinVar:

ClinVar aggregate classification (germline): Uncertain significance (1 of 4 stars; one submission).

Submission:

Labcorp Genetics (formerly Invitae), Labcorp
Classification: Uncertain significance. Last evaluated: 2025-02-26. Review status: criteria provided, single submitter. Criteria: Invitae Variant Classification Sherloc (09022015). Collection method: clinical testing. Allele origin: germline.
Comment: This sequence change replaces valine, which is neutral and non-polar, with alanine, which is neutral and non-polar, at codon 630 of the GSN protein (p.Val630Ala). This variant is not present in population databases (gnomAD no frequency). This variant has not been reported in the literature in individuals affected with GSN-related conditions. Invitae Evidence Modeling of protein sequence and biophysical properties (such as structural, functional, and spatial information, amino acid conservation, physicochemical variation, residue mobility, and thermodynamic stability) indicates that this missense variant is not expected to disrupt GSN protein function with a negative predictive value of 80%. In summary, the available evidence is currently insufficient to determine the role of this variant in disease. Therefore, it has been classified as a Variant of Uncertain Significance.

NM_198252.3(GSN):c.1736T>C (p.Val579Ala)

Gene: GSN (gelsolin; plus strand). Cytogenetic location: 9q33.2.
Variant type: single nucleotide variant.
Coding change: c.1736T>C on transcript NM_198252.3 (MANE Select); coding-DNA position 1736, T replaced by C.
Protein change: p.Val579Ala; replaces valine 579 with alanine.
Molecular consequence: missense variant.
Genome position (GRCh38, 1-based): chr9:121,327,456, T>C. VCF-style: chr9-121327456-T-C. GRCh37 (hg19) VCF-style: chr9-124089734-T-C.
Other names: c.1769T>C, p.Val590Ala (NM_001353063.2, NM_001353064.2, NM_001353065.2 and 13 more transcripts); c.1736T>C, p.Val579Ala (NM_001353061.2, NM_001353062.1, NM_001127662.2 and 10 more transcripts); c.1844T>C, p.Val615Ala (NM_001127663.2); c.1787T>C, p.Val596Ala (NM_001258029.2); c.1760T>C, p.Val587Ala (NM_001258030.2); c.1808T>C, p.Val603Ala (NM_001353076.2); c.1082T>C, p.Val361Ala (NM_001353078.2); c.1889T>C, p.Val630Ala (NM_000177.5); short protein forms V615A, V630A, V587A, V590A, V603A, V361A, V579A, V596A.
Identifiers: ClinVar variation 3693148 (VCV003693148.2).